The following is an entry in ClinVar:

ClinVar aggregate classification (germline): Uncertain significance (1 of 4 stars; one submission).

gnomAD v4.1: 6 of 1,612,710 alleles (0.00037%); highest among the groups gnomAD compares: Non-Finnish European, 0.00051%; no homozygotes.

Submission:

GeneDx
Classification: Uncertain significance. Last evaluated: 2024-08-02. Review status: criteria provided, single submitter. Criteria: GeneDx Variant Classification Process June 2021. Collection method: clinical testing. Allele origin: germline. Affected: yes.
Comment: Not observed at significant frequency in large population cohorts (gnomAD); In silico analysis indicates that this missense variant does not alter protein structure/function; Has not been previously published as pathogenic or benign to our knowledge

NM_014633.5(CTR9):c.2995C>T (p.Arg999Cys)

Gene: CTR9 (CTR9 homolog, Paf1/RNA polymerase II complex component; plus strand). Cytogenetic location: 11p15.4.
Variant type: single nucleotide variant.
Coding change: c.2995C>T on transcript NM_014633.5 (MANE Select); coding-DNA position 2995, C replaced by T.
Protein change: p.Arg999Cys; replaces arginine 999 with cysteine.
Molecular consequence: missense variant.
Genome position (GRCh38, 1-based): chr11:10,775,533, C>T. VCF-style: chr11-10775533-C-T. GRCh37 (hg19) VCF-style: chr11-10797080-C-T.
Other names: c.2923C>T, p.Arg975Cys (NM_001346279.2); short protein forms R975C, R999C.
Identifiers: ClinVar variation 3602149 (VCV003602149.1).